The following is an entry in ClinVar:

ClinVar aggregate classification (germline): Uncertain significance. Review status: criteria provided, multiple submitters, no conflicts (2 of 4 stars). 3 submissions from 3 submitters: Uncertain significance (3). Last evaluated 2025-07-25.

Conditions:
BEST1-related disorder. Also called: BEST1-related condition; BEST1-related disorders. Identifiers: MedGen CN239200.
Inborn genetic diseases. Identifiers: MedGen C0950123, MeSH D030342.

Allele frequency attached by ClinVar (database versions not stated): gnomAD exomes below 0.00001; ExAC 0.00001; gnomAD 0.00002; TOPMed 0.00002.
gnomAD v4.1: 6 of 1,614,064 alleles (0.00037%); highest among the groups gnomAD compares: African/African-American, 0.0053%; no homozygotes.

Submissions (3):

PreventionGenetics, part of Exact Sciences
Classification: Uncertain significance for BEST1-related condition. Last evaluated: 2025-07-25. Review status: criteria provided, single submitter. Criteria: ACMG Guidelines, 2015. Collection method: clinical testing. Allele origin: germline.
Comment: The BEST1 c.221A>G variant is predicted to result in the amino acid substitution p.Gln74Arg. To our knowledge, this variant has not been reported in the literature. This variant is reported in 0.0080% of alleles in individuals of African descent in gnomAD. At this time, the clinical significance of this variant is uncertain due to the absence of conclusive functional and genetic evidence.

Labcorp Genetics (formerly Invitae), Labcorp
Classification: Uncertain significance. Last evaluated: 2025-01-20. Review status: criteria provided, single submitter. Criteria: Invitae Variant Classification Sherloc (09022015). Collection method: clinical testing. Allele origin: germline.
Comment: This sequence change replaces glutamine, which is neutral and polar, with arginine, which is basic and polar, at codon 74 of the BEST1 protein (p.Gln74Arg). This variant is present in population databases (rs762070687, gnomAD 0.008%). This variant has not been reported in the literature in individuals affected with BEST1-related conditions. ClinVar contains an entry for this variant (Variation ID: 1718539). Invitae Evidence Modeling of protein sequence and biophysical properties (such as structural, functional, and spatial information, amino acid conservation, physicochemical variation, residue mobility, and thermodynamic stability) indicates that this missense variant is expected to disrupt BEST1 protein function with a positive predictive value of 95%. In summary, the available evidence is currently insufficient to determine the role of this variant in disease. Therefore, it has been classified as a Variant of Uncertain Significance.

Ambry Genetics
Classification: Uncertain significance for Inborn genetic diseases. Last evaluated: 2024-10-12. Review status: criteria provided, single submitter. Criteria: Ambry Variant Classification Scheme 2023. Collection method: clinical testing. Allele origin: germline.

NM_004183.4(BEST1):c.221A>G (p.Gln74Arg)

Gene: BEST1 (bestrophin 1; plus strand). Cytogenetic location: 11q12.3.
Variant type: single nucleotide variant.
Coding change: c.221A>G on transcript NM_004183.4 (MANE Select); coding-DNA position 221, A replaced by G.
Protein change: p.Gln74Arg; replaces glutamine 74 with arginine.
Molecular consequence: missense variant. On other transcripts: non-coding transcript variant (1).
Genome position (GRCh38, 1-based): chr11:61,955,175, A>G. VCF-style: chr11-61955175-A-G. GRCh37 (hg19) VCF-style: chr11-61722647-A-G.
Other names: c.41A>G, p.Gln14Arg (NM_001139443.3, NM_001300786.2, NM_001300787.2); c.221A>G, p.Gln74Arg (NM_001363592.2); short protein forms Q14R, Q74R.
Identifiers: ClinVar variation 1718539 (VCV001718539.8), dbSNP rs762070687, ClinGen allele CA6040719.